The following is an entry in ClinVar:

NM_006390.4(IPO8):c.2284G>C (p.Val762Leu)

Gene: IPO8 (importin 8; minus strand). Cytogenetic location: 12p11.21.
Variant type: single nucleotide variant.
Coding change: c.2284G>C on transcript NM_006390.4 (MANE Select); coding-DNA position 2284, G replaced by C.
Protein change: p.Val762Leu; replaces valine 762 with leucine.
Molecular consequence: missense variant.
Genome position (GRCh38, 1-based): chr12:30,639,720, C>G on the plus strand (G>C on the coding strand, the complement: IPO8 is on the minus strand). VCF-style: chr12-30639720-C-G. GRCh37 (hg19) VCF-style: chr12-30792654-C-G.
Other names: c.1669G>C, p.Val557Leu (NM_001190995.2); short protein forms V557L, V762L.
Identifiers: ClinVar variation 3772238 (VCV003772238.13).

ClinVar aggregate classification (germline): Uncertain significance (1 of 4 stars; one submission).

gnomAD v4.1: 4 of 1,613,628 alleles (0.00025%); highest among the groups gnomAD compares: Non-Finnish European, 0.00034%; no homozygotes.

Submission:

CeGaT Center for Human Genetics Tuebingen
Classification: Uncertain significance. Last evaluated: 2025-01-01. Review status: criteria provided, single submitter. Criteria: CeGaT Center For Human Genetics Tuebingen Variant Classification Criteria Version 2. Collection method: clinical testing. Allele origin: germline. Affected: yes. Observed: 1 variant allele.
Comment: IPO8: PM2